The following is an entry in ClinVar:

NM_177965.4(CFAP418):c.315T>C (p.Ser105=)

Gene: CFAP418 (cilia and flagella associated protein 418; minus strand). Cytogenetic location: 8q22.1.
Variant type: single nucleotide variant.
Coding change: c.315T>C on transcript NM_177965.4 (MANE Select); coding-DNA position 315, T replaced by C.
Protein change: p.Ser105=; no amino-acid change (serine 105 retained).
Molecular consequence: synonymous variant.
Genome position (GRCh38, 1-based): chr8:95,259,899, A>G on the plus strand (T>C on the coding strand, the complement: CFAP418 is on the minus strand). VCF-style: chr8-95259899-A-G. GRCh37 (hg19) VCF-style: chr8-96272127-A-G.
Other names: c.315T>C, p.Ser105= (NM_001363260.1).
Identifiers: ClinVar variation 4992563 (VCV004992563.1).

ClinVar aggregate classification (germline): Likely benign (1 of 4 stars; one submission).

Conditions:
CFAP418-related disorder. Also called: CFAP418-related condition.

Submission:

PreventionGenetics, part of Exact Sciences
Classification: Likely benign for CFAP418-related condition. Last evaluated: 2026-09-23. Review status: criteria provided, single submitter. Criteria: ACMG Guidelines, 2015. Collection method: clinical testing. Allele origin: germline.
Comment: This variant is classified as likely benign based on ACMG/AMP sequence variant interpretation guidelines (Richards et al. 2015 PMID: 25741868, with internal and published modifications).